The following is an entry in ClinVar:

ClinVar aggregate classification (germline): Uncertain significance (1 of 4 stars; one submission).

Submission:

Mayo Clinic Laboratories, Mayo Clinic
Classification: Uncertain significance. Last evaluated: 2022-04-19. Review status: criteria provided, single submitter. Criteria: ACMG Guidelines, 2015. Collection method: clinical testing. Allele origin: germline. Observed: 1 variant allele.
Comment: PP3

NM_001040142.2(SCN2A):c.4345A>C (p.Met1449Leu)

Gene: SCN2A (sodium voltage-gated channel alpha subunit 2; plus strand). Cytogenetic location: 2q24.3.
Variant type: single nucleotide variant.
Coding change: c.4345A>C on transcript NM_001040142.2 (MANE Select); coding-DNA position 4345, A replaced by C.
Protein change: p.Met1449Leu; replaces methionine 1449 with leucine.
Molecular consequence: missense variant.
Genome position (GRCh38, 1-based): chr2:165,380,628, A>C. VCF-style: chr2-165380628-A-C. GRCh37 (hg19) VCF-style: chr2-166237138-A-C.
Other names: p.Met1449Leu; c.4345A>C, p.Met1449Leu (NM_001040143.2, NM_001371246.1, NM_001371247.1 and 1 more transcripts); short protein forms M1449L.
Identifiers: ClinVar variation 2682751 (VCV002682751.1), dbSNP rs1409988313, ClinGen allele CA349033762.